The following is an entry in ClinVar:

ClinVar aggregate classification (germline): Uncertain significance (1 of 4 stars; one submission).

Conditions:
PGM1-congenital disorder of glycosylation. Also called: PGM1 DEFICIENCY; GLYCOGEN STORAGE DISEASE XIV; GSD XIV; PHOSPHOGLUCOMUTASE 1 DEFICIENCY; Congenital disorder of glycosylation type 1t; CDG It. Identifiers: Orphanet 319646, MedGen C2752015, MONDO:0013968, OMIM 614921.

Allele frequency attached by ClinVar (database versions not stated): gnomAD exomes 0.00001.
gnomAD v4.1: 5 of 1,613,926 alleles (0.00031%); highest among the groups gnomAD compares: Middle Eastern, 0.017%; no homozygotes.

Submission:

Labcorp Genetics (formerly Invitae), Labcorp
Classification: Uncertain significance for PGM1-congenital disorder of glycosylation. Last evaluated: 2021-12-28. Review status: criteria provided, single submitter. Criteria: Invitae Variant Classification Sherloc (09022015). Collection method: clinical testing. Allele origin: germline.
Comment: In summary, the available evidence is currently insufficient to determine the role of this variant in disease. Therefore, it has been classified as a Variant of Uncertain Significance. Algorithms developed to predict the effect of missense changes on protein structure and function (SIFT, PolyPhen-2, Align-GVGD) all suggest that this variant is likely to be disruptive. This variant has not been reported in the literature in individuals affected with PGM1-related conditions. This variant is present in population databases (no rsID available, gnomAD 0.006%). This sequence change replaces asparagine, which is neutral and polar, with serine, which is neutral and polar, at codon 119 of the PGM1 protein (p.Asn119Ser).

NM_002633.3(PGM1):c.356A>G (p.Asn119Ser)

Gene: PGM1 (phosphoglucomutase 1; plus strand). Cytogenetic location: 1p31.3.
Variant type: single nucleotide variant.
Coding change: c.356A>G on transcript NM_002633.3 (MANE Select); coding-DNA position 356, A replaced by G.
Protein change: p.Asn119Ser; replaces asparagine 119 with serine.
Molecular consequence: missense variant. On other transcripts: 5 prime UTR variant (1).
Genome position (GRCh38, 1-based): chr1:63,629,534, A>G. VCF-style: chr1-63629534-A-G. GRCh37 (hg19) VCF-style: chr1-64095205-A-G.
Other names: c.410A>G, p.Asn137Ser (NM_001172818.1); c.-236A>G (NM_001172819.2); short protein forms N119S, N137S.
Identifiers: ClinVar variation 1500809 (VCV001500809.6), dbSNP rs1213089649, ClinGen allele CA340646115.